The following is an entry in ClinVar:

ClinVar aggregate classification (germline): Likely benign. Review status: criteria provided, multiple submitters, no conflicts (2 of 4 stars). 5 submissions from 5 submitters: Likely benign (5). Last evaluated 2026-02-18.

Conditions:
Neuronopathy, distal hereditary motor, type 7A. Also called: Neuronopathy, distal hereditary motor, type viia; HARPER-YOUNG MYOPATHY; HMN VIIA; SPINAL MUSCULAR ATROPHY, DISTAL, WITH VOCAL CORD PARALYSIS; NEURONOPATHY, DISTAL HEREDITARY MOTOR, HARDING TYPE VIIA; NEUROPATHY, DISTAL HEREDITARY MOTOR, HARDING TYPE VIIA. Identifiers: Orphanet 139589, MedGen C1834703, MONDO:0008024, OMIM 158580.
Congenital myasthenic syndrome 20. Also called: Myasthenic syndrome, congenital, 20, presynaptic. Identifiers: MedGen C4310694, MONDO:0014939, OMIM 617143.
SLC5A7-related disorder. Also called: SLC5A7-related condition.
Inborn genetic diseases. Identifiers: MedGen C0950123, MeSH D030342.

Allele frequency attached by ClinVar (database versions not stated): TOPMed 0.00015; 1000 Genomes Project 0.00020; 1000 Genomes Project 30x 0.00031; gnomAD 0.00008 and 0.00009; gnomAD exomes 0.00008 and 0.00011; ExAC 0.00011.

Submissions (5):

Women's Health and Genetics/Laboratory Corporation of America, LabCorp
Classification: Likely benign. Last evaluated: 2026-02-18. Review status: criteria provided, single submitter. Criteria: LabCorp Variant Classification Summary - May 2015. Collection method: clinical testing. Allele origin: germline.

Labcorp Genetics (formerly Invitae), Labcorp
Classification: Likely benign for Neuronopathy, distal hereditary motor, type 7A; Congenital myasthenic syndrome 20. Last evaluated: 2026-02-03. Review status: criteria provided, single submitter. Criteria: Invitae Variant Classification Sherloc (09022015). Collection method: clinical testing. Allele origin: germline.

PreventionGenetics, part of Exact Sciences
Classification: Likely benign for SLC5A7-related condition. Last evaluated: 2025-07-15. Review status: criteria provided, single submitter. Criteria: ACMG Guidelines, 2015. Collection method: clinical testing. Allele origin: germline.
Comment: This variant is classified as likely benign based on ACMG/AMP sequence variant interpretation guidelines (Richards et al. 2015 PMID: 25741868, with internal and published modifications).

CeGaT Center for Human Genetics Tuebingen
Classification: Likely benign. Last evaluated: 2023-06-01. Review status: criteria provided, single submitter. Criteria: CeGaT Center For Human Genetics Tuebingen Variant Classification Criteria Version 2. Collection method: clinical testing. Allele origin: germline. Affected: yes. Observed: 1 variant allele.
Comment: SLC5A7: BP4, BP7

Ambry Genetics
Classification: Likely benign for Inborn genetic diseases. Last evaluated: 2019-07-11. Review status: criteria provided, single submitter. Criteria: Ambry Variant Classification Scheme 2023. Collection method: clinical testing. Allele origin: germline.

NM_021815.5(SLC5A7):c.636C>T (p.Val212=)

Gene: SLC5A7 (solute carrier family 5 member 7; plus strand). Cytogenetic location: 2q12.3.
Variant type: single nucleotide variant.
Coding change: c.636C>T on transcript NM_021815.5 (MANE Select); coding-DNA position 636, C replaced by T.
Protein change: p.Val212=; no amino-acid change (valine 212 retained).
Molecular consequence: synonymous variant. On other transcripts: 5 prime UTR variant (1).
Genome position (GRCh38, 1-based): chr2:108,001,935, C>T. VCF-style: chr2-108001935-C-T. GRCh37 (hg19) VCF-style: chr2-108618391-C-T.
Other names: c.636C>T (NM_021815.4); c.636C>T, p.Val212= (NM_001305005.3); c.321C>T, p.Val107= (NM_001305006.3); c.-106C>T (NM_001305007.3).
Identifiers: ClinVar variation 532823 (VCV000532823.41), dbSNP rs200804007, ClinGen allele CA1819027.